The following is an entry in ClinVar:

NM_001292063.2(OTOG):c.2561+10G>A

Gene: OTOG (otogelin; plus strand). Cytogenetic location: 11p15.1.
Variant type: single nucleotide variant.
Coding change: c.2561+10G>A on transcript NM_001292063.2 (MANE Select); 10 bases into the intron after coding-DNA position 2561, G replaced by A.
Molecular consequence: intron variant.
Genome position (GRCh38, 1-based): chr11:17,576,640, G>A. VCF-style: chr11-17576640-G-A. GRCh37 (hg19) VCF-style: chr11-17598187-G-A.
Other names: p.?; c.2597+10G>A (NM_001277269.2).
Identifiers: ClinVar variation 226870 (VCV000226870.22), dbSNP rs4756901, ClinGen allele CA5905637.

ClinVar aggregate classification (germline): Benign. Review status: criteria provided, multiple submitters, no conflicts (2 of 4 stars). 8 submissions from 8 submitters: Benign (6). 2 of the submissions do not count toward it. Last evaluated 2026-02-04.

Conditions:
Autosomal recessive nonsyndromic hearing loss 18B. Also called: Deafness, autosomal recessive 18b. Identifiers: Orphanet 90636, MedGen C3554163, MONDO:0013985, OMIM 614945.

Allele frequency attached by ClinVar (database versions not stated): 1000 Genomes Project 0.29692; 1000 Genomes Project 30x 0.29076; TOPMed 0.31881; gnomAD exomes 0.33002 and 0.38043; ExAC 0.34481.
gnomAD v4.1: 577,522 of 1,539,546 alleles (38%); highest among the groups gnomAD compares: Non-Finnish European, 40%; 111,057 homozygotes.

Submissions (8):

Labcorp Genetics (formerly Invitae), Labcorp
Classification: Benign. Last evaluated: 2026-02-04. Review status: criteria provided, single submitter. Criteria: Invitae Variant Classification Sherloc (09022015). Collection method: clinical testing. Allele origin: germline.

Genome-Nilou Lab
Classification: Benign for Autosomal recessive nonsyndromic hearing loss 18B. Last evaluated: 2021-09-05. Review status: criteria provided, single submitter. Criteria: ACMG Guidelines, 2015. Collection method: clinical testing. Allele origin: germline. Affected: no.

Mayo Clinic Laboratories, Mayo Clinic
Classification: Benign. Last evaluated: 2020-10-20. Review status: criteria provided, single submitter. Criteria: ACMG Guidelines, 2015. Collection method: clinical testing. Allele origin: germline. Observed: 97 variant alleles.

GeneDx
Classification: Benign. Last evaluated: 2017-05-09. Review status: criteria provided, single submitter. Criteria: GeneDx Variant Classification (06012015). Collection method: clinical testing. Allele origin: germline. Affected: yes.
Comment: This variant is considered likely benign or benign based on one or more of the following criteria: it is a conservative change, it occurs at a poorly conserved position in the protein, it is predicted to be benign by multiple in silico algorithms, and/or has population frequency not consistent with disease.

Laboratory for Molecular Medicine, Mass General Brigham Personalized Medicine
Classification: Benign. Last evaluated: 2014-11-24. Review status: criteria provided, single submitter. Criteria: LMM Criteria. Collection method: clinical testing. Allele origin: germline. Observed: 432 variant alleles.
Comment: 2597+10G>A in intron 20 of OTOG: This variant is not expected to have clinical s ignificance because it is not located within the conserved splice consensus sequ ence. It has been identified in 43.3% (77/178) of English and Scottish chromosom es from a broad population by the 1000 Genomes Project (. gov/projects/SNP; dbSNP rs4756901).

Breakthrough Genomics
Classification: Benign. Review status: criteria provided, single submitter. Criteria: ACMG Guidelines, 2015. Collection method: not provided. Allele origin: germline. Inheritance: Autosomal recessive inheritance. Affected: yes.

Diagnostic Laboratory, Department of Genetics, University Medical Center Groningen
Classification: Benign. Review status: no assertion criteria provided. Collection method: clinical testing. Allele origin: germline. Affected: yes. Study: VKGL Data-share Consensus. Not counted in ClinVar's aggregate classification.

Joint Genome Diagnostic Labs from Nijmegen and Maastricht, Radboudumc and MUMC+
Classification: Benign. Review status: no assertion criteria provided. Collection method: clinical testing. Allele origin: germline. Affected: yes. Study: VKGL Data-share Consensus. Not counted in ClinVar's aggregate classification.